The following is an entry in ClinVar:

NM_174936.4(PCSK9):c.1601G>T (p.Cys534Phe)

Gene: PCSK9 (proprotein convertase subtilisin/kexin type 9; plus strand). Cytogenetic location: 1p32.3.
Variant type: single nucleotide variant.
Coding change: c.1601G>T on transcript NM_174936.4 (MANE Select); coding-DNA position 1601, G replaced by T.
Protein change: p.Cys534Phe; replaces cysteine 534 with phenylalanine.
Molecular consequence: missense variant.
Genome position (GRCh38, 1-based): chr1:55,059,583, G>T. VCF-style: chr1-55059583-G-T. GRCh37 (hg19) VCF-style: chr1-55525256-G-T.
Other names: c.1724G>T, p.Cys575Phe (NM_001407240.1); c.1643G>T, p.Cys548Phe (NM_001407241.1); c.1604G>T, p.Cys535Phe (NM_001407242.1); c.1544G>T, p.Cys515Phe (NM_001407243.1); c.1427G>T, p.Cys476Phe (NM_001407244.1); c.1409G>T, p.Cys470Phe (NM_001407245.1); c.1226G>T, p.Cys409Phe (NM_001407246.1); short protein forms C534F, C470F, C476F, C515F, C575F, C409F, C535F, C548F.
Identifiers: ClinVar variation 924741 (VCV000924741.10), dbSNP rs920130560, ClinGen allele CA340479955.
Genomic context (GRCh38, chr1:55,059,583, plus strand): 5'-CTTTTGGGGGTGAGGGTGTCTACGCCATTGCCAGGTGCTGCCTGCTACCCCAGGCCAACT[G>T]CAGCGTCCACACAGCTCCACCAGCTGAGGCCAGCATGGGGACCCGTGTCCACTGCCACCA-3'
Protein context (NP_777596.2, residues 524-544): ARCCLLPQAN[Cys534Phe]SVHTAPPAEA

ClinVar aggregate classification (germline): Uncertain significance. Review status: criteria provided, multiple submitters, no conflicts (2 of 4 stars). 4 submissions from 4 submitters: Uncertain significance (4). Last evaluated 2026-01-26.

Conditions:
Cardiovascular phenotype. Identifiers: MedGen CN230736.
Hypercholesterolemia, autosomal dominant, 3 (FHCL3). Also called: PCSK9-Related Familial Hypercholesterolemia, Autosomal Dominant; Familial Hypercholesterolemia, Autosomal Dominant, 3; Familial hypercholesterolemia 3. Identifiers: MedGen C1863551, MONDO:0011369, OMIM 603776.
Familial hypercholesterolemia. Also called: Familial hypercholesterolemias; Familial hypercholesterolaemia. Identifiers: MedGen C0020445, MONDO:0005439.

Allele frequency attached by ClinVar (database versions not stated): TOPMed 0.00001.

Submissions (4):

GeneDx
Classification: Uncertain significance. Last evaluated: 2026-01-26. Review status: criteria provided, single submitter. Criteria: GeneDx Variant Classification Process June 2021. Collection method: clinical testing. Allele origin: germline.
Comment: Not observed at significant frequency in large population cohorts (gnomAD); In silico analysis supports that this missense variant has a deleterious effect on protein structure/function; Has not been previously published as pathogenic or benign to our knowledge

All of Us Research Program, National Institutes of Health
Classification: Uncertain significance for Hypercholesterolemia, autosomal dominant, 3. Last evaluated: 2024-08-06. Review status: criteria provided, single submitter. Criteria: ACMG Guidelines, 2015. Collection method: clinical testing. Allele origin: germline. Inheritance: Autosomal dominant inheritance. Observed: 3 variant alleles, 3 heterozygotes.
Comment: This missense variant replaces cysteine with phenylalanine at codon 534 of the PCSK9 protein. Computational prediction tools and conservation analyses are inconclusive regarding the impact of this variant on the protein function. Computational splicing tools suggest that this variant may not impact RNA splicing. To our knowledge, functional assays have not been performed for this variant nor has this variant been reported in individuals affected with familial hypercholesterolemia in the literature. This variant has not been identified in the general population by the Genome Aggregation Database (gnomAD). Available evidence is insufficient to determine the role of this variant in disease conclusively. Therefore, this variant is classified as a Variant of Uncertain Significance.

This study involves interpretation of variants in research participants for the purpose of population health screening. Participant phenotype was not available at the time of variant classification. Additional details can be found in publication PMID: 35346344, PMCID: PMC8962531

Color Diagnostics, LLC DBA Color Health
Classification: Uncertain significance for Familial hypercholesterolemia. Last evaluated: 2024-03-06. Review status: criteria provided, single submitter. Criteria: ACMG Guidelines, 2015. Collection method: clinical testing. Allele origin: germline.
Comment: This missense variant replaces cysteine with phenylalanine at codon 534 of the PCSK9 protein. Computational prediction is inconclusive regarding the impact of this variant on protein structure and function (internally defined REVEL score threshold 0.5 < inconclusive < 0.7, PMID: 27666373). To our knowledge, functional studies have not been reported for this variant. This variant has not been reported in individuals affected with PCSK9-related disorders in the literature. This variant has not been identified in the general population by the Genome Aggregation Database (gnomAD). The available evidence is insufficient to determine the role of this variant in disease conclusively. Therefore, this variant is classified as a Variant of Uncertain Significance.

Ambry Genetics
Classification: Uncertain significance for Cardiovascular phenotype. Last evaluated: 2023-11-12. Review status: criteria provided, single submitter. Criteria: Ambry Variant Classification Scheme 2023. Collection method: clinical testing. Allele origin: germline.
Comment: The p.C534F variant (also known as c.1601G>T), located in coding exon 10 of the PCSK9 gene, results from a G to T substitution at nucleotide position 1601. The cysteine at codon 534 is replaced by phenylalanine, an amino acid with highly dissimilar properties. This amino acid position is conserved. In addition, the in silico prediction for this alteration is inconclusive. Since supporting evidence is limited at this time, the clinical significance of this alteration remains unclear.